The following is an entry in ClinVar:

ClinVar aggregate classification (germline): Uncertain significance (1 of 4 stars; one submission).

Allele frequency attached by ClinVar (database versions not stated): ExAC below 0.00001; gnomAD exomes 0.00002 and 0.00005; TOPMed 0.00002; gnomAD 0.00003.
gnomAD v4.1: 38 of 1,586,020 alleles (0.0024%); highest among the groups gnomAD compares: Admixed American, 0.017%; no homozygotes.

Submission:

Labcorp Genetics (formerly Invitae), Labcorp
Classification: Uncertain significance. Last evaluated: 2025-12-01. Review status: criteria provided, single submitter. Criteria: Invitae Variant Classification Sherloc (09022015). Collection method: clinical testing. Allele origin: germline.
Comment: This sequence change replaces arginine, which is basic and polar, with tryptophan, which is neutral and slightly polar, at codon 149 of the FSCN2 protein (p.Arg149Trp). This variant is present in population databases (rs782586128, gnomAD 0.02%). This variant has not been reported in the literature in individuals affected with FSCN2-related conditions. ClinVar contains an entry for this variant (Variation ID: 1040514). An algorithm developed to predict the effect of missense changes on protein structure and function (PolyPhen-2) suggests that this variant is likely to be disruptive. In summary, the available evidence is currently insufficient to determine the role of this variant in disease. Therefore, it has been classified as a Variant of Uncertain Significance.

NM_012418.4(FSCN2):c.445C>T (p.Arg149Trp)

Gene: FSCN2 (fascin actin-bundling protein 2, retinal; plus strand). Cytogenetic location: 17q25.3.
Variant type: single nucleotide variant.
Coding change: c.445C>T on transcript NM_012418.4 (MANE Select); coding-DNA position 445, C replaced by T.
Protein change: p.Arg149Trp; replaces arginine 149 with tryptophan.
Molecular consequence: missense variant.
Genome position (GRCh38, 1-based): chr17:81,528,976, C>T. VCF-style: chr17-81528976-C-T. GRCh37 (hg19) VCF-style: chr17-79496002-C-T.
Other names: c.445C>T, p.Arg149Trp (NM_001077182.3); short protein forms R149W.
Identifiers: ClinVar variation 1040514 (VCV001040514.8), dbSNP rs782586128, ClinGen allele CA8836680.